The following is an entry in ClinVar:

NM_015346.4(ZFYVE26):c.3201G>A (p.Met1067Ile)

Gene: ZFYVE26 (zinc finger FYVE-type containing 26; minus strand). Cytogenetic location: 14q24.1.
Variant type: single nucleotide variant.
Coding change: c.3201G>A on transcript NM_015346.4 (MANE Select); coding-DNA position 3201, G replaced by A.
Protein change: p.Met1067Ile; replaces methionine 1067 with isoleucine.
Molecular consequence: missense variant.
Genome position (GRCh38, 1-based): chr14:67,785,961, C>T on the plus strand (G>A on the coding strand, the complement: ZFYVE26 is on the minus strand). VCF-style: chr14-67785961-C-T. GRCh37 (hg19) VCF-style: chr14-68252678-C-T.
Other names: short protein forms M1067I.
Identifiers: ClinVar variation 452917 (VCV000452917.2), dbSNP rs752207692, ClinGen allele CA7240054.

ClinVar aggregate classification (germline): Uncertain significance (1 of 4 stars; one submission).

Allele frequency attached by ClinVar (database versions not stated): gnomAD 0.00001; gnomAD exomes 0.00001 and 0.00003; ExAC 0.00002; TOPMed 0.00002.

Submission:

GeneDx
Classification: Uncertain significance. Last evaluated: 2017-10-25. Review status: criteria provided, single submitter. Criteria: GeneDx Variant Classification (06012015). Collection method: clinical testing. Allele origin: germline. Affected: yes.
Comment: A variant of uncertain significance has been identified in the ZFYVE26 gene. The M1067I variant has not been published as a pathogenic variant, nor has it been reported as a benign variant to our knowledge. The M1067I variant is observed in 8/17248 (0.05%) alleles from individuals of East Asian background (Lek et al., 2016). The M1067I variant is a conservative amino acid substitution, which is not likely to impact secondary protein structure as these residues share similar properties. This substitution occurs at a position that is not conserved; and in silico analysis predicts this variant likely does not alter the protein structure/function. Based on the currently available information, it is unclear whether this variant is a pathogenic variant or a rare benign variant.